The following is an entry in ClinVar:

ClinVar aggregate classification (germline): Conflicting classifications of pathogenicity. Review status: criteria provided, conflicting classifications (1 of 4 stars). 7 submissions from 7 submitters: Uncertain significance (3); Benign (1); Likely benign (2). 1 of the submissions does not count toward it. Last evaluated 2026-05-03.

Conditions:
CFTR-related disorder (CFTR-RD). Also called: CFTR-related condition; CFTR-related disorders. Identifiers: MedGen C5924204, MONDO:7770004.
Cystic fibrosis (CF). Also called: MUCOVISCIDOSIS. Identifiers: Orphanet 586, MedGen C0010674, MONDO:0009061, OMIM 219700. Disease mechanism: loss of function.

Submissions (7):

PreventionGenetics, part of Exact Sciences
Classification: Uncertain significance for CFTR-related condition. Last evaluated: 2026-05-03. Review status: criteria provided, single submitter. Criteria: ACMG Guidelines, 2015. Collection method: clinical testing. Allele origin: germline.
Comment: The CFTR c.1117-26_1117-25delAT variant is predicted to result in an intronic deletion. This variant, also described as 1249-27delTA using legacy nomenclature, has been reported in several cohort studies of individuals with cystic fibrosis; however, these studies did not provide patient-specific information or other evidence supporting variant pathogenicity (Scotet et al. 2003. PubMed ID: 12815607; Table S4, Dorfman et al. 2008. PubMed ID: 18292811; Table S5, Raraigh et al. 2022. PubMed ID: 34782259). Additionally, this variant is not predicted to impact splicing based on available splicing prediction programs (SpliceAI, Jaganathan et al. 2019. PubMed ID: 30661751). This variant is reported in 0.0046% of alleles in individuals of European (non-Finnish) descent in gnomAD. Although we suspect that this variant may be benign, the clinical significance of this variant is uncertain at this time due to the absence of conclusive functional and genetic evidence.

Women's Health and Genetics/Laboratory Corporation of America, LabCorp
Classification: Likely benign. Last evaluated: 2024-12-19. Review status: criteria provided, single submitter. Criteria: LabCorp Variant Classification Summary - May 2015. Collection method: clinical testing. Allele origin: germline.
Comment: Variant summary: CFTR c.1117-26_1117-25delAT is located at a position not widely known to affect splicing. Consensus agreement among computation tools predict no significant impact on normal splicing. However, these predictions have yet to be confirmed by functional studies. The variant allele was found at a frequency of 2.1e-05 in 241484 control chromosomes. The available data on variant occurrences in the general population are insufficient to allow any conclusion about variant significance. c.1117-26_1117-25delAT has been reported in the literature in individuals affected with Cystic Fibrosis and Cystic Fibrosis screen positive with an inconclusive abstract diagnosis, without strong evidence for causality (Strom_2003, Dorfman_2010, Scotet_2003, Dorfman_2008, Raraigh_2021, Gonska_2021, Sickkids database). These report(s) do not provide unequivocal conclusions about association of the variant with Cystic Fibrosis. To our knowledge, no experimental evidence demonstrating an impact on protein function has been reported. The following publications have been ascertained in the context of this evaluation (PMID: 20059485, 18292811, 34814176, 34782259, 12815607, 12544470). ClinVar contains an entry for this variant (Variation ID: 53192). Based on the evidence outlined above, the variant was classified as likely benign.

Labcorp Genetics (formerly Invitae), Labcorp
Classification: Likely benign for Cystic fibrosis. Last evaluated: 2024-05-08. Review status: criteria provided, single submitter. Criteria: Invitae Variant Classification Sherloc (09022015). Collection method: clinical testing. Allele origin: germline.

Blueprint Genetics
Classification: Uncertain significance. Last evaluated: 2024-05-02. Review status: criteria provided, single submitter. Criteria: ACMG Guidelines, 2015. Collection method: clinical testing. Allele origin: germline.

GeneDx
Classification: Uncertain significance. Last evaluated: 2023-08-16. Review status: criteria provided, single submitter. Criteria: GeneDx Variant Classification Process June 2021. Collection method: clinical testing. Allele origin: germline. Affected: yes.
Comment: Identified in individuals with cystic fibrosis in published literature, but in whom limited clinical data was provided and a second CFTR variant was either not detected or not specified (Scotet et al., 2003; Raraigh et al., 2022); In silico analysis supports that this variant does not alter splicing; This variant is associated with the following publications: (PMID: 34782259, 12815607)

ARUP Laboratories, Molecular Genetics and Genomics, ARUP Laboratories
Classification: Benign. Last evaluated: 2019-11-06. Review status: criteria provided, single submitter. Criteria: ARUP Molecular Germline Variant Investigation Process. Collection method: clinical testing. Allele origin: germline.

ClinVar Staff, National Center for Biotechnology Information (NCBI)
No classification provided. Condition: CFTR-related disorders. Review status: no classification provided. Collection method: literature only. Allele origin: germline. Affected: yes. Not counted in ClinVar's aggregate classification.

Literature cited by the submitters: PubMed 12815607 (cited by Women's Health and Genetics/Laboratory Corporation of America, LabCorp); PubMed 12544470 (cited by Women's Health and Genetics/Laboratory Corporation of America, LabCorp); PubMed 20059485 (cited by Women's Health and Genetics/Laboratory Corporation of America, LabCorp and ClinVar Staff, National Center for Biotechnology Information (NCBI)); PubMed 18292811 (cited by Women's Health and Genetics/Laboratory Corporation of America, LabCorp); PubMed 34782259 (cited by Women's Health and Genetics/Laboratory Corporation of America, LabCorp); PubMed 34814176 (cited by Women's Health and Genetics/Laboratory Corporation of America, LabCorp).

NM_000492.4(CFTR):c.1117-26_1117-25del

Gene: CFTR (CF transmembrane conductance regulator; plus strand). Cytogenetic location: 7q31.2.
Variant type: Microsatellite.
Coding change: c.1117-26_1117-25del on transcript NM_000492.4 (MANE Select); 26 bases into the intron before coding-DNA position 1117 through 25 bases into the intron before coding-DNA position 1117, 2 bases deleted (AT; older notation c.1117-26_1117-25delAT).
Molecular consequence: intron variant.
Genome position (GRCh38, 1-based): chr7:117,541,990-117,541,991, AT deleted; deleting any 2 consecutive bases within chr7:117,541,988-117,541,991 gives the same sequence; the c. name uses the placement nearest the transcript's 3' end. VCF-style (leftmost placement, unchanged base first): chr7-117541987-AAT-A. GRCh37 (hg19) VCF-style: chr7-117182041-AAT-A.
Other names: c.1117-27_1117-26delTA (NM_000492.3); c.1117-26_1117-25delAT (NM_000492.4, NM_000492.3).
Identifiers: ClinVar variation 53192 (VCV000053192.21), dbSNP rs397508159, ClinGen allele CA326407.